The following is an entry in ClinVar:

NM_022124.6(CDH23):c.2524C>T (p.Arg842Trp)

Gene: CDH23 (cadherin related 23; plus strand). Cytogenetic location: 10q22.1.
Variant type: single nucleotide variant.
Coding change: c.2524C>T on transcript NM_022124.6 (MANE Select); coding-DNA position 2524, C replaced by T.
Protein change: p.Arg842Trp; replaces arginine 842 with tryptophan.
Molecular consequence: missense variant.
Genome position (GRCh38, 1-based): chr10:71,702,148, C>T. VCF-style: chr10-71702148-C-T. GRCh37 (hg19) VCF-style: chr10-73461905-C-T.
Other names: c.2524C>T, p.Arg842Trp (NM_001171930.2, NM_001171931.2); short protein forms R842W.
Identifiers: ClinVar variation 300415 (VCV000300415.21), dbSNP rs368496658, ClinGen allele CA5544238.
Genomic context (GRCh38, chr10:71,702,148, plus strand): 5'-AAGTTCTACAGCCTCAACAGCACCACGGGCAAGATCCGCACCACCCACGCCATGCTGGAC[C>T]GGGAGAACCCCGACCCCCATGAGGCCGAGCTGATGCGCAAAATCGTCGTCTCTGTTACTG-3'
Protein context (NP_071407.4, residues 832-852): KIRTTHAMLD[Arg842Trp]ENPDPHEAEL

ClinVar aggregate classification (germline): Uncertain significance. Review status: criteria provided, multiple submitters, no conflicts (2 of 4 stars). 10 submissions from 9 submitters: Uncertain significance (9). 1 of the submissions does not count toward it. Last evaluated 2024-01-20.

Conditions:
Usher syndrome type 1D (USH1D). Also called: USHER SYNDROME, TYPE ID. Identifiers: Orphanet 231169, Orphanet 886, MedGen C1832845, MONDO:0010984, OMIM 601067.
Usher syndrome. Also called: Usher's syndrome; Usher Syndromes. Identifiers: Orphanet 886, MedGen CN469326, MeSH D052245, MONDO:0019501. Disease mechanism: loss of function.
Autosomal recessive nonsyndromic hearing loss 12. Also called: DEAFNESS, AUTOSOMAL RECESSIVE 12. Identifiers: Orphanet 90636, MedGen C1832394, MONDO:0011067, OMIM 601386.
Pituitary adenoma 5, multiple types. Identifiers: MedGen C4539685, MONDO:0054601, OMIM 617540.
Usher syndrome type 1 (USH1). Also called: RETINITIS PIGMENTOSA AND CONGENITAL DEAFNESS. Identifiers: Orphanet 231169, Orphanet 886, MedGen C1568247, MONDO:0010168, OMIM 276900.

Allele frequency attached by ClinVar (database versions not stated): ExAC 0.00002; gnomAD 0.00003; gnomAD exomes 0.00003; TOPMed 0.00004.
gnomAD v4.1: 53 of 1,613,838 alleles (0.0033%); highest among the groups gnomAD compares: Middle Eastern, 0.066%; no homozygotes.

Submissions (10):

Women's Health and Genetics/Laboratory Corporation of America, LabCorp
Classification: Uncertain significance. Last evaluated: 2024-01-20. Review status: criteria provided, single submitter. Criteria: LabCorp Variant Classification Summary - May 2015. Collection method: clinical testing. Allele origin: germline.
Comment: Variant summary: CDH23 c.2524C>T (p.Arg842Trp) results in a non-conservative amino acid change in the encoded protein sequence. Four of four in-silico tools predict a damaging effect of the variant on protein function. The variant allele was found at a frequency of 2.8e-05 in 249148 control chromosomes, predominantly at a frequency of 5.3e-05 within the Non-Finnish European subpopulation in the gnomAD database. The available data on variant occurrences in the general population are insufficient to allow any conclusion about variant significance. To our knowledge, no occurrence of c.2524C>T in individuals affected with Usher Syndrome and no experimental evidence demonstrating its impact on protein function have been reported. ClinVar contains an entry for this variant (Variation ID: 300415). Based on the evidence outlined above, the variant was classified as uncertain significance.

Labcorp Genetics (formerly Invitae), Labcorp
Classification: Uncertain significance. Last evaluated: 2023-12-11. Review status: criteria provided, single submitter. Criteria: Invitae Variant Classification Sherloc (09022015). Collection method: clinical testing. Allele origin: germline.
Comment: This sequence change replaces arginine, which is basic and polar, with tryptophan, which is neutral and slightly polar, at codon 842 of the CDH23 protein (p.Arg842Trp). This variant is present in population databases (rs368496658, gnomAD 0.006%). This variant has not been reported in the literature in individuals affected with CDH23-related conditions. ClinVar contains an entry for this variant (Variation ID: 300415). Advanced modeling of protein sequence and biophysical properties (such as structural, functional, and spatial information, amino acid conservation, physicochemical variation, residue mobility, and thermodynamic stability) has been performed at Invitae for this missense variant, however the output from this modeling did not meet the statistical confidence thresholds required to predict the impact of this variant on CDH23 protein function. In summary, the available evidence is currently insufficient to determine the role of this variant in disease. Therefore, it has been classified as a Variant of Uncertain Significance.

Blueprint Genetics
Classification: Uncertain significance. Last evaluated: 2022-10-22. Review status: criteria provided, single submitter. Criteria: ACMG Guidelines, 2015. Collection method: clinical testing. Allele origin: germline.

Fulgent Genetics
Classification: Uncertain significance for Usher syndrome type 1D; Autosomal recessive nonsyndromic hearing loss 12; Pituitary adenoma 5, multiple types. Last evaluated: 2021-07-02. Review status: criteria provided, single submitter. Criteria: ACMG Guidelines, 2015. Collection method: clinical testing. Allele origin: unknown.

Pars Genome Lab
Classification: Uncertain significance for Usher syndrome type 1D. Last evaluated: 2021-05-18. Review status: criteria provided, single submitter. Criteria: ACMG Guidelines, 2015. Collection method: clinical testing. Allele origin: germline. Affected: no.

Laboratory for Molecular Medicine, Mass General Brigham Personalized Medicine
Classification: Uncertain significance. Last evaluated: 2020-06-08. Review status: criteria provided, single submitter. Criteria: LMM Criteria. Collection method: clinical testing. Allele origin: germline. Observed: 3 variant alleles.
Comment: Variant classified as Uncertain Significance - Favor Pathogenic. The p.Arg842Trp variant has been previously reported by our laboratory in 2 individual with sensorineural hearing loss, 1 had a likely pathogenic CDH23 variant confirmed in trans, and 1 had a second variant of uncertain significance in CDH23, though cis/trans was not determined. This variant has been reported in 0.005% (7/128322) of European chromosomes by gnomAD, and it has also been reported in ClinVar (Variation ID 300415). Computational prediction tools and conservation analyses suggest that this variant may impact the protein, though this information is not predictive enough to determine pathogenicity. In summary, while there is some suspicion for a pathogenic role, the clinical significance of this variant is uncertain. ACMG/AMP Criteria applied: PM2, PM3, PP3.

Illumina Laboratory Services, Illumina
Classification: Uncertain significance for Autosomal recessive nonsyndromic hearing loss 12. Last evaluated: 2018-01-12. Review status: criteria provided, single submitter. Criteria: ICSL Variant Classification Criteria 13 December 2019. Collection method: clinical testing. Allele origin: germline.

Illumina Laboratory Services, Illumina
Classification: Uncertain significance for Usher syndrome type 1D. Last evaluated: 2018-01-12. Review status: criteria provided, single submitter. Criteria: ICSL Variant Classification Criteria 13 December 2019. Collection method: clinical testing. Allele origin: germline.

GeneDx
Classification: Uncertain significance. Last evaluated: 2016-09-08. Review status: criteria provided, single submitter. Criteria: GeneDx Variant Classification (06012015). Collection method: clinical testing. Allele origin: germline. Affected: yes.
Comment: The R842W variant in the CDH23 gene has not been reported previously as a pathogenic variant, nor as a benign variant, to our knowledge. This variant was not observed in approximately 6400 individuals of European and African American ancestry in the NHLBI Exome Sequencing Project, indicating it is not a common benign variant in these populations. The R842W variant is a non-conservative amino acid substitution, which is likely to impact secondary protein structure as these residues differ in polarity, charge, size and/or other properties. This substitution occurs at a position that is conserved across species. In silico analysis predicts this variant is probably damaging to the protein structure/function. We interpret R842W as a variant of uncertain significance.

Natera, Inc.
Classification: Uncertain significance for Usher syndrome type 1. Last evaluated: 2020-09-16. Review status: no assertion criteria provided. Collection method: clinical testing. Allele origin: germline. Not counted in ClinVar's aggregate classification.